The following is an entry in ClinVar:

NM_001042432.2(CLN3):c.1057-1G>C

Gene: CLN3 (CLN3 lysosomal/endosomal transmembrane protein, battenin; minus strand). Cytogenetic location: 16p12.1.
Variant type: single nucleotide variant.
Coding change: c.1057-1G>C on transcript NM_001042432.2 (MANE Select); the canonical splice acceptor site of the intron before coding-DNA position 1057, G replaced by C.
Molecular consequence: splice acceptor variant.
Genome position (GRCh38, 1-based): chr16:28,477,878, C>G on the plus strand (G>C on the coding strand, the complement: CLN3 is on the minus strand). VCF-style: chr16-28477878-C-G. GRCh37 (hg19) VCF-style: chr16-28489199-C-G.
Other names: c.823-1G>C (NM_001286109.2); c.985-1G>C (NM_001286104.2); c.757-1G>C (NM_001286105.2); c.895-1G>C (NM_001286110.2); c.1057-1G>C (NM_000086.2).
Identifiers: ClinVar variation 5004652 (VCV005004652.1).

ClinVar aggregate classification (germline): Uncertain significance (1 of 4 stars; one submission).

Conditions:
Neuronal ceroid lipofuscinosis 3 (CLN3). Identifiers: Orphanet 228346, MedGen C0751383, MONDO:0008767, OMIM 204200.

Submission:

Myriad Genetics, Inc.
Classification: Uncertain significance for Neuronal ceroid lipofuscinosis 3. Last evaluated: 2026-05-11. Review status: criteria provided, single submitter. Criteria: Myriad Autosomal Dominant, Autosomal Recessive and X-Linked Classification Criteria (2023). Collection method: clinical testing. Allele origin: unknown.
Comment: NM_001042432.1(CLN3):c.1057-1G>C is a variant in a canonical splice site classified as a variant of uncertain significance in the context of CLN3-related disorders. c.1057-1G>C has not been observed in cases with relevant disease. Relevant functional assessments of this variant are not available in the literature. c.1057-1G>C has not been observed in referenced population frequency databases. In summary, there is insufficient evidence to classify NM_001042432.1(CLN3):c.1057-1G>C as pathogenic or benign. Please note: this variant was assessed in the context of healthy population screening.